The following is an entry in ClinVar:

NM_001040108.2(MLH3):c.3731A>C (p.Gln1244Pro)

Gene: MLH3 (mutL homolog 3; minus strand). Cytogenetic location: 14q24.3.
Variant type: single nucleotide variant.
Coding change: c.3731A>C on transcript NM_001040108.2 (MANE Select); coding-DNA position 3731, A replaced by C.
Protein change: p.Gln1244Pro; replaces glutamine 1244 with proline.
Molecular consequence: missense variant.
Genome position (GRCh38, 1-based): chr14:75,032,164, T>G on the plus strand (A>C on the coding strand, the complement: MLH3 is on the minus strand). VCF-style: chr14-75032164-T-G. GRCh37 (hg19) VCF-style: chr14-75498867-T-G.
Other names: c.3659A>C, p.Gln1220Pro (NM_014381.3); short protein forms Q1220P, Q1244P.
Identifiers: ClinVar variation 1734395 (VCV001734395.7), dbSNP rs374637363, ClinGen allele CA7275337.

ClinVar aggregate classification (germline): Uncertain significance. Review status: criteria provided, multiple submitters, no conflicts (2 of 4 stars). 3 submissions from 3 submitters: Uncertain significance (3). Last evaluated 2025-06-18.

Conditions:
MLH3-related disorder. Also called: MLH3-related condition.

Allele frequency attached by ClinVar (database versions not stated): gnomAD exomes below 0.00001; ExAC 0.00002; gnomAD 0.00005; TOPMed 0.00005; ESP Exome Variant Server 0.00015.
gnomAD v4.1: 13 of 1,610,970 alleles (0.00081%); highest among the groups gnomAD compares: African/African-American, 0.012%; no homozygotes.

Submissions (3):

Ambry Genetics
Classification: Uncertain significance. Last evaluated: 2025-06-18. Review status: criteria provided, single submitter. Criteria: Ambry Variant Classification Scheme 2023. Collection method: clinical testing. Allele origin: germline.
Comment: The p.Q1244P variant (also known as c.3731A>C), located in coding exon 7 of the MLH3 gene, results from an A to C substitution at nucleotide position 3731. The glutamine at codon 1244 is replaced by proline, an amino acid with similar properties. This amino acid position is not well conserved in available vertebrate species. In addition, this alteration is predicted to be tolerated by in silico analysis. Since supporting evidence is limited at this time, the clinical significance of this alteration remains unclear.

Center for Genomic Medicine, Rigshospitalet, Copenhagen University Hospital
Classification: Uncertain significance. Last evaluated: 2025-03-04. Review status: criteria provided, single submitter. Criteria: ACMG Guidelines, 2015. Collection method: clinical testing. Allele origin: germline.

PreventionGenetics, part of Exact Sciences
Classification: Uncertain significance for MLH3-related condition. Last evaluated: 2023-08-10. Review status: criteria provided, single submitter. Criteria: ACMG Guidelines, 2015. Collection method: clinical testing. Allele origin: germline.
Comment: The MLH3 c.3731A>C variant is predicted to result in the amino acid substitution p.Gln1244Pro. To our knowledge, this variant has not been reported in the literature. This variant is reported in 0.020% of alleles in individuals of African descent in gnomAD. At this time, the clinical significance of this variant is uncertain due to the absence of conclusive functional and genetic evidence.